The following is an entry in ClinVar:

ClinVar aggregate classification (germline): Uncertain significance (1 of 4 stars; one submission).

Conditions:
Familial cancer of breast. Also called: Hereditary breast cancer; hereditary breast carcinoma; BREAST CANCER, FAMILIAL. Identifiers: Orphanet 227535, MedGen C0346153, MONDO:0016419, OMIM 114480. Disease mechanism: loss of function.

Submission:

Labcorp Genetics (formerly Invitae), Labcorp
Classification: Uncertain significance for Familial cancer of breast. Last evaluated: 2022-09-14. Review status: criteria provided, single submitter. Criteria: Invitae Variant Classification Sherloc (09022015). Collection method: clinical testing. Allele origin: germline.
Comment: This variant results in a copy number gain of the genomic region encompassing exon(s) 5-11 of the BARD1 gene. This region includes the termination codon of the gene. This copy number gain extends beyond the assayed region for this gene and therefore may encompass additional genes. As the precise location of this event is unknown, it may be in tandem or it may be located elsewhere in the genome. This variant has not been reported in the literature in individuals affected with BARD1-related conditions. Experimental studies and prediction algorithms are not available or were not evaluated, and the functional significance of this variant is currently unknown. In summary, the available evidence is currently insufficient to determine the role of this variant in disease. Therefore, it has been classified as a Variant of Uncertain Significance.

NC_000002.11:g.(?_215593400)_(215634056_?)dup

Gene: BARD1 (BRCA1 associated RING domain 1; minus strand). Cytogenetic location: 2q35.
Variant type: Duplication.
Identifiers: ClinVar variation 2423138 (VCV002423138.3).